The following is an entry in ClinVar:

ClinVar aggregate classification (germline): Uncertain significance (1 of 4 stars; one submission).

Conditions:
Hereditary cancer-predisposing syndrome. Also called: Neoplastic Syndromes, Hereditary; Tumor predisposition; Hereditary Cancer Syndrome; Hereditary neoplastic syndrome. Identifiers: Orphanet 140162, MedGen C0027672, MeSH D009386, MONDO:0015356.

Submission:

Ambry Genetics
Classification: Uncertain significance for Hereditary cancer-predisposing syndrome. Last evaluated: 2025-12-26. Review status: criteria provided, single submitter. Criteria: Ambry Variant Classification Scheme 2023. Collection method: clinical testing. Allele origin: germline.
Comment: The p.E381Q variant (also known as c.1141G>C), located in coding exon 10 of the PMS2 gene, results from a G to C substitution at nucleotide position 1141. The glutamic acid at codon 381 is replaced by glutamine, an amino acid with highly similar properties. This amino acid position is conserved. In addition, the in silico prediction for this alteration is inconclusive. Based on the available evidence, the clinical significance of this variant remains unclear.

NM_000535.7(PMS2):c.1141G>C (p.Glu381Gln)

Gene: PMS2 (PMS1 homolog 2, mismatch repair system component; minus strand). Cytogenetic location: 7p22.1.
Variant type: single nucleotide variant.
Coding change: c.1141G>C on transcript NM_000535.7 (MANE Select); coding-DNA position 1141, G replaced by C.
Protein change: p.Glu381Gln; replaces glutamic acid 381 with glutamine.
Molecular consequence: missense variant. On other transcripts: non-coding transcript variant (1), intron variant (10).
Genome position (GRCh38, 1-based): chr7:5,989,803, C>G on the plus strand (G>C on the coding strand, the complement: PMS2 is on the minus strand). VCF-style: chr7-5989803-C-G. GRCh37 (hg19) VCF-style: chr7-6029434-C-G.
Other names: c.736G>C, p.Glu246Gln (NM_001406910.1, NM_001322003.2, NM_001322004.2 and 16 more transcripts); c.370G>C, p.Glu124Gln (NM_001406911.1); c.583+2170G>C (NM_001322010.2, NM_001406906.1, NM_001406907.1); c.670+2170G>C (NM_001406902.1, NM_001406901.1); c.679+2170G>C (NM_001406900.1); c.820+2170G>C (NM_001406884.1); c.804-6812G>C (NM_001406912.1); c.988+2170G>C (NM_001322006.2, NM_001406870.1); and 13 more; short protein forms E124Q, E278Q, E325Q, E443Q, E70Q, E269Q, E315Q, E210Q.
Identifiers: ClinVar variation 4842991 (VCV004842991.1).